The following is an entry in ClinVar:

NM_001374828.1(ARID1B):c.1669G>A (p.Gly557Ser)

Gene: ARID1B (AT-rich interaction domain 1B; plus strand). Cytogenetic location: 6q25.3.
Variant type: single nucleotide variant.
Coding change: c.1669G>A on transcript NM_001374828.1 (MANE Select); coding-DNA position 1669, G replaced by A.
Protein change: p.Gly557Ser; replaces glycine 557 with serine.
Molecular consequence: missense variant.
Genome position (GRCh38, 1-based): chr6:156,779,349, G>A. VCF-style: chr6-156779349-G-A. GRCh37 (hg19) VCF-style: chr6-157100483-G-A.
Other names: c.1669G>A, p.Gly557Ser (NM_001371656.1, NM_001374820.1, NM_017519.3); c.1420G>A (NM_020732.3); short protein forms G557S.
Identifiers: ClinVar variation 3383823 (VCV003383823.1).

ClinVar aggregate classification (germline): Uncertain significance (1 of 4 stars; one submission).

Submission:

GeneDx
Classification: Uncertain significance. Last evaluated: 2024-05-31. Review status: criteria provided, single submitter. Criteria: GeneDx Variant Classification Process June 2021. Collection method: clinical testing. Allele origin: germline. Affected: yes.
Comment: Not observed at significant frequency in large population cohorts (gnomAD); In silico analysis indicates that this missense variant does not alter protein structure/function; Has not been previously published as pathogenic or benign to our knowledge